The following is an entry in ClinVar:

NM_021614.4(KCNN2):c.2019-2A>G

Genes: KCNN2 (potassium calcium-activated channel subfamily N member 2; plus strand), LOC101927078 (uncharacterized LOC101927078; minus strand). Cytogenetic location: 5q22.3.
Variant type: single nucleotide variant.
Coding change: c.2019-2A>G on transcript NM_021614.4 (MANE Select); the canonical splice acceptor site of the intron before coding-DNA position 2019, A replaced by G.
Molecular consequence: splice acceptor variant.
Genome position (GRCh38, 1-based): chr5:114,493,401, A>G. VCF-style: chr5-114493401-A-G. GRCh37 (hg19) VCF-style: chr5-113829098-A-G.
Other names: c.2217-2A>G (NM_001372233.1); c.339-2A>G (NM_170775.3).
Identifiers: ClinVar variation 3766295 (VCV003766295.1).

ClinVar aggregate classification (germline): Uncertain significance (1 of 4 stars; one submission).

Submission:

GeneDx
Classification: Uncertain significance. Last evaluated: 2024-08-28. Review status: criteria provided, single submitter. Criteria: GeneDx Variant Classification Process June 2021. Collection method: clinical testing. Allele origin: germline. Affected: yes.
Comment: Not observed at significant frequency in large population cohorts (gnomAD); Canonical splice site variant in a gene or region of a gene for which loss of function is not a well-established mechanism of disease; Has not been previously published as pathogenic or benign to our knowledge